The following is an entry in ClinVar:

ClinVar aggregate classification (germline): Likely pathogenic (1 of 4 stars; one submission).

Conditions:
Cataract 15 multiple types. Also called: CATARACT 15, LAMELLAR WITH SUTURAL OPACITIES. Identifiers: Orphanet 91492, MedGen C3809001, MONDO:0014110, OMIM 615274.

Submission:

MVZ Medizinische Genetik Mainz
Classification: Likely pathogenic for Cataract 15 multiple types. Last evaluated: 2023-02-03. Review status: criteria provided, single submitter. Criteria: UK Practice Guidelines For Variant Classification V4 01 2020. Collection method: clinical testing. Allele origin: germline. Inheritance: Autosomal dominant inheritance. Affected: yes. Observed: 1 variant allele.
Comment: PVS1, PM2_SUP

NM_012064.4(MIP):c.493_494insT (p.Gly165fs)

Gene: MIP (major intrinsic protein of lens fiber; minus strand). Cytogenetic location: 12q13.3.
Variant type: Insertion.
Coding change: c.493_494insT on transcript NM_012064.4 (MANE Select); coding-DNA positions 493 to 494, T inserted.
Protein change: p.Gly165fs; shifts the reading frame from glycine 165.
Molecular consequence: frameshift variant.
Genome position: GRCh38 VCF-style: chr12-56453622-C-CA. GRCh37 (hg19) VCF-style: chr12-56847406-C-CA.
Other names: short protein forms G165fs.
Identifiers: ClinVar variation 3061915 (VCV003061915.1), dbSNP rs2547313222, ClinGen allele CA2740092395.